The following is an entry in ClinVar:

NM_000334.4(SCN4A):c.3910_3912del

Genes: GH-LCR (growth hormone locus control region; plus strand), SCN4A (sodium voltage-gated channel alpha subunit 4; minus strand). Cytogenetic location: 17q23.3.
Variant type: Microsatellite.
Coding change: c.3910_3912del on transcript NM_000334.4 (MANE Select); coding-DNA positions 3910 to 3912, 3 bases deleted (AGA; older notation c.3910_3912delAGA).
Molecular consequence: splice donor variant.
Genome position (GRCh38, 1-based): chr17:63,944,672-63,944,674, TCT deleted on the plus strand (AGA on the coding strand, the reverse complement: SCN4A is on the minus strand); deleting any 3 consecutive bases within chr17:63,944,672-63,944,683 gives the same sequence; the c. name uses the placement nearest the transcript's 3' end. VCF-style (leftmost placement, unchanged base first): chr17-63944671-ATCT-A. GRCh37 (hg19) VCF-style: chr17-62022031-ATCT-A.
Other names: c.3911_3912+1del (NM_000334.4).
Identifiers: ClinVar variation 970818 (VCV000970818.9), dbSNP rs1326940129, ClinGen allele CA627150506.

ClinVar aggregate classification (germline): Uncertain significance. Review status: criteria provided, multiple submitters, no conflicts (2 of 4 stars). 3 submissions from 3 submitters: Uncertain significance (3). Last evaluated 2025-04-02.

Conditions:
Hyperkalemic periodic paralysis. Also called: Gamstorp disease; Familial hyperkalemic periodic paralysis. Identifiers: Orphanet 682, MedGen C0238357, MONDO:0008224, OMIM 170500, HP:0007215.

Submissions (3):

Dasa
Classification: Uncertain significance. Last evaluated: 2025-04-02. Review status: criteria provided, single submitter. Criteria: DASA Assertion Criteria. Collection method: clinical testing. Allele origin: germline.
Comment: NM_000334.4(SCN4A):c.3911_3912+1del affects a canonical splice site and is predicted to disrupt normal RNA splicing. This variant is rare in population databases. The currently available literature and clinical evidence are not sufficient to establish a definitive association between this variant and the reported condition. Therefore, this variant is classified as a variant of uncertain significance.

Blueprint Genetics
Classification: Uncertain significance. Last evaluated: 2024-09-10. Review status: criteria provided, single submitter. Criteria: ACMG Guidelines, 2015. Collection method: clinical testing. Allele origin: germline.

Labcorp Genetics (formerly Invitae), Labcorp
Classification: Uncertain significance for Hyperkalemic periodic paralysis. Last evaluated: 2019-08-11. Review status: criteria provided, single submitter. Criteria: Invitae Variant Classification Sherloc (09022015). Collection method: clinical testing. Allele origin: germline.
Comment: This variant has not been reported in the literature in individuals with SCN4A-related conditions. This variant is not present in population databases (ExAC no frequency). This variant, c.3910_3912del, results in the deletion of 1 amino acid of the SCN4A protein (p.Lys1304del), but otherwise preserves the integrity of the reading frame. Experimental studies and prediction algorithms are not available or were not evaluated for this variant, and the functional significance of this variant is currently unknown. In summary, the available evidence is currently insufficient to determine the role of this variant in disease. Therefore, it has been classified as a Variant of Uncertain Significance.